The following is an entry in ClinVar:

NM_001164508.2(NEB):c.1184_1185dup (p.Ala396fs)

Gene: NEB (nebulin; minus strand). Cytogenetic location: 2q23.3.
Variant type: Duplication.
Coding change: c.1184_1185dup on transcript NM_001164508.2 (MANE Select); coding-DNA positions 1184 to 1185, 2 bases duplicated (AA; older notation c.1184_1185dupAA).
Protein change: p.Ala396fs; shifts the reading frame from alanine 396.
Molecular consequence: frameshift variant.
Genome position (GRCh38, 1-based): chr2:151,697,616-151,697,617, TT duplicated on the plus strand (AA on the coding strand, the reverse complement: NEB is on the minus strand); duplicating any 2 consecutive bases within chr2:151,697,616-151,697,619 gives the same sequence; the c. name uses the placement nearest the transcript's 3' end. VCF-style (leftmost placement, unchanged base first): chr2-151697615-C-CTT. GRCh37 (hg19) VCF-style: chr2-152554129-C-CTT.
Other names: c.1184_1185dup, p.Ala396fs (NM_001164507.2, NM_001271208.2, NM_004543.5); short protein forms A396fs.
Identifiers: ClinVar variation 1420704 (VCV001420704.6), dbSNP rs2149367866, ClinGen allele CA2573133267.
Genomic context (GRCh38, chr2:151,697,615, plus strand): 5'-AGTTCTGCAGAACAGTATCGAGCTTGAATTTGGGGGTCTCGCAGTAATTTATGCTCTTTG[C>CTT]TTTTGTCTTTTCATAGTTTTCCTTGTATAGTTTCTGTCAAAGAAAAAAAATTCAGTTAAA-3'

ClinVar aggregate classification (germline): Pathogenic (1 of 4 stars; one submission).

Conditions:
Nemaline myopathy 2 (NEM2). Also called: Nemaline myopathy 2, autosomal recessive. Identifiers: MedGen C1850569, MONDO:0009725, OMIM 256030.

Submission:

Labcorp Genetics (formerly Invitae), Labcorp
Classification: Pathogenic for Nemaline myopathy 2. Last evaluated: 2021-02-24. Review status: criteria provided, single submitter. Criteria: Invitae Variant Classification Sherloc (09022015). Collection method: clinical testing. Allele origin: germline.
Comment: This sequence change creates a premature translational stop signal (p.Ala396Lysfs*5) in the NEB gene. It is expected to result in an absent or disrupted protein product. Loss-of-function variants in NEB are known to be pathogenic (PMID: 25205138). This variant is not present in population databases (ExAC no frequency). This variant has not been reported in the literature in individuals with NEB-related conditions. For these reasons, this variant has been classified as Pathogenic.

Literature cited by the submitters: PubMed 25205138.